The following is an entry in ClinVar:

ClinVar aggregate classification (germline): Conflicting classifications of pathogenicity. Review status: criteria provided, conflicting classifications (1 of 4 stars). 2 submissions from 2 submitters: Uncertain significance (1); Benign (1). Last evaluated 2024-11-02.

Conditions:
Heterotopia, periventricular, X-linked dominant (PVNH1). Also called: PERIVENTRICULAR NODULAR HETEROTOPIA 1; X-linked periventricular heterotopia; PERIVENTRICULAR NODULAR HETEROTOPIA 4; HETEROTOPIA, PERIVENTRICULAR, 1. Identifiers: Orphanet 2149, Orphanet 82004, MedGen C1848213, MONDO:0010233, OMIM 300049.
Oto-palato-digital syndrome, type II (OPD2). Also called: OPD II SYNDROME; Otopalatodigital Syndrome, Type II; Otopalatodigital Syndrome Type 2 (FLNA-OPD2); FACIOPALATOOSSEOUS SYNDROME. Identifiers: Orphanet 669, Orphanet 90652, MedGen C1844696, MONDO:0010571, OMIM 304120.
Melnick-Needles syndrome (MNS). Also called: MELNICK-NEEDLES OSTEODYSPLASTY; OSTEODYSPLASTY OF MELNICK AND NEEDLES; Melnick-Needles Syndrome (FLNA-MNS). Identifiers: Orphanet 2484, MedGen C0025237, MONDO:0010650, OMIM 309350.
Frontometaphyseal dysplasia (FMD1). Identifiers: Orphanet 1826, MedGen C0265293, MONDO:0015942.

Allele frequency attached by ClinVar (database versions not stated): gnomAD exomes below 0.00001 and 0.00001; TOPMed 0.00001.
gnomAD v4.1: 2 of 1,211,783 alleles (0.00017%); highest among the groups gnomAD compares: South Asian, 0.0018%; no homozygotes.

Submissions (2):

Labcorp Genetics (formerly Invitae), Labcorp
Classification: Benign for Oto-palato-digital syndrome, type II; Heterotopia, periventricular, X-linked dominant; Frontometaphyseal dysplasia; Melnick-Needles syndrome. Last evaluated: 2024-11-02. Review status: criteria provided, single submitter. Criteria: Invitae Variant Classification Sherloc (09022015). Collection method: clinical testing. Allele origin: germline.

ARUP Laboratories, Molecular Genetics and Genomics, ARUP Laboratories
Classification: Uncertain significance. Last evaluated: 2021-03-20. Review status: criteria provided, single submitter. Criteria: ARUP Molecular Germline Variant Investigation Process 2021. Collection method: clinical testing. Allele origin: germline.
Comment: The FLNA c.3460G>A; p.Val1154Met variant (rs1557177750), to our knowledge, is not reported in the medical literature or gene specific databases. This variant is only observed on one allele in the Genome Aggregation Database, indicating it is not a common polymorphism. The valine at codon 1154 is highly conserved, but computational analyses are uncertain whether this variant is neutral or deleterious (REVEL: 0.501). However, given the lack of clinical and functional data, the significance of the p.Val1154Met variant is uncertain at this time.

NM_001110556.2(FLNA):c.3460G>A (p.Val1154Met)

Gene: FLNA (filamin A; minus strand). Cytogenetic location: Xq28.
Variant type: single nucleotide variant.
Coding change: c.3460G>A on transcript NM_001110556.2 (MANE Select); coding-DNA position 3460, G replaced by A.
Protein change: p.Val1154Met; replaces valine 1154 with methionine.
Molecular consequence: missense variant.
Genome position (GRCh38, 1-based): chrX:154,360,335, C>T on the plus strand (G>A on the coding strand, the complement: FLNA is on the minus strand). VCF-style: chrX-154360335-C-T. GRCh37 (hg19) VCF-style: chrX-153588703-C-T.
Other names: c.3460G>A, p.Val1154Met (NM_001456.4); short protein forms V1154M.
Identifiers: ClinVar variation 1330648 (VCV001330648.12), dbSNP rs1557177750, ClinGen allele CA415227335.